The following is an entry in ClinVar:

ClinVar aggregate classification (germline): Uncertain significance (1 of 4 stars; one submission).

Conditions:
Cardiovascular phenotype. Identifiers: MedGen CN230736.

Submission:

Ambry Genetics
Classification: Uncertain significance for Cardiovascular phenotype. Last evaluated: 2021-12-07. Review status: criteria provided, single submitter. Criteria: Ambry Variant Classification Scheme 2023. Collection method: clinical testing. Allele origin: germline.
Comment: The p.E13K variant (also known as c.37G>A), located in coding exon 1 of the ALMS1 gene, results from a G to A substitution at nucleotide position 37. The glutamic acid at codon 13 is replaced by lysine, an amino acid with similar properties. This amino acid position is highly conserved in available vertebrate species. In addition, the in silico prediction for this alteration is inconclusive. Since supporting evidence is limited at this time, the clinical significance of this alteration remains unclear.

NM_015120.4(ALMS1):c.37G>A (p.Glu13Lys)

Gene: ALMS1 (ALMS1 centrosome and basal body associated protein; plus strand).
Variant type: single nucleotide variant.
Coding change: c.37G>A on transcript NM_015120.4; coding-DNA position 37, G replaced by A.
Protein change: p.Glu13Lys; replaces glutamic acid 13 with lysine.
Molecular consequence: missense variant.
Other names: short protein forms E13K.
Identifiers: ClinVar variation 1735048 (VCV001735048.2), dbSNP rs2521486303.